The following is an entry in ClinVar:

NM_003995.4(NPR2):c.1622G>C (p.Gly541Ala)

Gene: NPR2 (natriuretic peptide receptor 2; plus strand). Cytogenetic location: 9p13.3.
Variant type: single nucleotide variant.
Coding change: c.1622G>C on transcript NM_003995.4 (MANE Select); coding-DNA position 1622, G replaced by C.
Protein change: p.Gly541Ala; replaces glycine 541 with alanine.
Molecular consequence: missense variant.
Genome position (GRCh38, 1-based): chr9:35,801,990, G>C. VCF-style: chr9-35801990-G-C. GRCh37 (hg19) VCF-style: chr9-35801987-G-C.
Other names: c.1631G>C, p.Gly544Ala (NM_001378923.1); short protein forms G541A, G544A.
Identifiers: ClinVar variation 3760696 (VCV003760696.2).
Genomic context (GRCh38, chr9:35,801,990, plus strand): 5'-GATCCAGTTACGGCTCGCTCATGACAGCCCATGGGAAATACCAGATCTTTGCCAACACCG[G>C]TCACTTCAAGGTGAACAGTCATTTGCTTGTTCTGGTCCCCACCATTTCATCCTGTCTCAT-3'
Protein context (NP_003986.2, residues 531-551): HGKYQIFANT[Gly541Ala]HFKGNVVAIK

ClinVar aggregate classification (germline): Uncertain significance (1 of 4 stars; one submission).

Conditions:
Acromesomelic dysplasia 1, Maroteaux type (AMD1). Also called: ST. HELENA DYSPLASIA; ACROMESOMELIC DYSPLASIA 1. Identifiers: Orphanet 40, MedGen C1864356, MONDO:0011275, OMIM 602875.
Tall stature-scoliosis-macrodactyly of the great toes syndrome. Also called: Epiphyseal chondrodysplasia, miura type. Identifiers: Orphanet 329191, MedGen C4014690, MONDO:0014401, OMIM 615923.

Submission:

Labcorp Genetics (formerly Invitae), Labcorp
Classification: Uncertain significance for Tall stature-scoliosis-macrodactyly of the great toes syndrome; Acromesomelic dysplasia 1, Maroteaux type. Last evaluated: 2024-06-25. Review status: criteria provided, single submitter. Criteria: Invitae Variant Classification Sherloc (09022015). Collection method: clinical testing. Allele origin: germline.
Comment: This sequence change replaces glycine, which is neutral and non-polar, with alanine, which is neutral and non-polar, at codon 541 of the NPR2 protein (p.Gly541Ala). This variant is not present in population databases (gnomAD no frequency). This variant has not been reported in the literature in individuals affected with NPR2-related conditions. Advanced modeling of protein sequence and biophysical properties (such as structural, functional, and spatial information, amino acid conservation, physicochemical variation, residue mobility, and thermodynamic stability) performed at Invitae indicates that this missense variant is not expected to disrupt NPR2 protein function with a negative predictive value of 80%. In summary, the available evidence is currently insufficient to determine the role of this variant in disease. Therefore, it has been classified as a Variant of Uncertain Significance.